The following is an entry in ClinVar:

NM_006015.6(ARID1A):c.320C>T (p.Ala107Val)

Gene: ARID1A (AT-rich interaction domain 1A; plus strand). Cytogenetic location: 1p36.11.
Variant type: single nucleotide variant.
Coding change: c.320C>T on transcript NM_006015.6 (MANE Select); coding-DNA position 320, C replaced by T.
Protein change: p.Ala107Val; replaces alanine 107 with valine.
Molecular consequence: missense variant.
Genome position (GRCh38, 1-based): chr1:26,696,723, C>T. VCF-style: chr1-26696723-C-T. GRCh37 (hg19) VCF-style: chr1-27023214-C-T.
Other names: c.320C>T, p.Ala107Val (NM_139135.4); short protein forms A107V.
Identifiers: ClinVar variation 2688598 (VCV002688598.5), dbSNP rs1473846356, ClinGen allele CA339264868.

ClinVar aggregate classification (germline): Uncertain significance. Review status: criteria provided, multiple submitters, no conflicts (2 of 4 stars). 3 submissions from 3 submitters: Uncertain significance (3). Last evaluated 2024-10-24.

Conditions:
Intellectual disability, autosomal dominant 14 (CSS2). Also called: COFFIN-SIRIS SYNDROME 2. Identifiers: Orphanet 1465, MedGen C3553247, MONDO:0013819, OMIM 614607.

Allele frequency attached by ClinVar (database versions not stated): gnomAD exomes below 0.00001; TOPMed 0.00002; gnomAD 0.00003.

Submissions (3):

Labcorp Genetics (formerly Invitae), Labcorp
Classification: Uncertain significance. Last evaluated: 2024-10-24. Review status: criteria provided, single submitter. Criteria: Invitae Variant Classification Sherloc (09022015). Collection method: clinical testing. Allele origin: germline.
Comment: This sequence change replaces alanine, which is neutral and non-polar, with valine, which is neutral and non-polar, at codon 107 of the ARID1A protein (p.Ala107Val). This variant is not present in population databases (gnomAD no frequency). This variant has not been reported in the literature in individuals affected with ARID1A-related conditions. Invitae Evidence Modeling of protein sequence and biophysical properties (such as structural, functional, and spatial information, amino acid conservation, physicochemical variation, residue mobility, and thermodynamic stability) indicates that this missense variant is not expected to disrupt ARID1A protein function with a negative predictive value of 95%. In summary, the available evidence is currently insufficient to determine the role of this variant in disease. Therefore, it has been classified as a Variant of Uncertain Significance.

GeneDx
Classification: Uncertain significance. Last evaluated: 2024-06-18. Review status: criteria provided, single submitter. Criteria: GeneDx Variant Classification Process June 2021. Collection method: clinical testing. Allele origin: germline. Affected: yes.
Comment: Not observed at significant frequency in large population cohorts (gnomAD); In silico analysis indicates that this missense variant does not alter protein structure/function; Has not been previously published as pathogenic or benign to our knowledge

Revvity Omics, Revvity
Classification: Uncertain significance for Intellectual disability, autosomal dominant 14. Last evaluated: 2023-07-12. Review status: criteria provided, single submitter. Criteria: ACMG Guidelines, 2015. Collection method: clinical testing. Allele origin: germline.